The following is an entry in ClinVar:

ClinVar aggregate classification (germline): Uncertain significance. Review status: criteria provided, multiple submitters, no conflicts (2 of 4 stars). 3 submissions from 2 submitters: Uncertain significance (3). Last evaluated 2021-09-17.

Conditions:
Hereditary nonpolyposis colorectal neoplasms. Identifiers: MedGen C0009405, MeSH D003123.
Lynch syndrome. Identifiers: Orphanet 144, MedGen C4552100, MONDO:0005835. Disease mechanism: loss of function.

Submissions (3):

Labcorp Genetics (formerly Invitae), Labcorp
Classification: Uncertain significance for Hereditary nonpolyposis colorectal neoplasms. Last evaluated: 2021-09-17. Review status: criteria provided, single submitter. Criteria: Invitae Variant Classification Sherloc (09022015). Collection method: clinical testing. Allele origin: germline.
Comment: This variant, c.598_600del, results in the deletion of 1 amino acid(s) of the EPCAM protein (p.Ser200del), but otherwise preserves the integrity of the reading frame. This variant is present in population databases (rs775898569, ExAC 0.006%). This variant has not been reported in the literature in individuals affected with EPCAM-related conditions. In summary, the available evidence is currently insufficient to determine the role of this variant in disease. Therefore, it has been classified as a Variant of Uncertain Significance.

Blueprint Genetics
Classification: Uncertain significance. Last evaluated: 2020-06-11. Review status: criteria provided, single submitter. Criteria: ACMG Guidelines, 2015. Collection method: clinical testing. Allele origin: germline.

Labcorp Genetics (formerly Invitae), Labcorp
Classification: Uncertain significance for Hereditary nonpolyposis colorectal neoplasms. Last evaluated: 2016-01-01. Review status: criteria provided, single submitter. Criteria: Invitae Variant Classification Sherloc (09022015). Collection method: clinical testing. Allele origin: germline.
Comment: This sequence change deletes 3 nucleotides from exon 6 of the EPCAM mRNA (c.598_600delTCT). This leads to the deletion of 1 amino acid residue in the EPCAM protein (p.Ser200del), but otherwise preserves the integrity of the reading frame. This variant is present in population databases (rs775898569, ExAC <0.01%) but has not been reported in the literature in individuals with an EPCAM-related disease. ClinVar contains an entry for this variant (Variation ID: 216872). In summary, this is a rare in-frame deletion with uncertain impact on protein function. It has been classified as a Variant of Uncertain Significance.

NM_002354.3(EPCAM):c.595TCT[1] (p.Ser200del)

Gene: EPCAM (epithelial cell adhesion molecule; plus strand). Cytogenetic location: 2p21.
Variant type: Microsatellite.
Coding change: c.595TCT[1] on transcript NM_002354.3 (MANE Select); one copy of the 3-base unit TCT starting at c.595; the reference has two copies in a row; one copy, 3 bases deleted.
Protein change: p.Ser200del; deletes serine 200.
Molecular consequence: inframe deletion.
Genome position (GRCh38, 1-based): chr2:47,378,995-47,378,997, TCT deleted; deleting any 3 consecutive bases within chr2:47,378,991-47,378,997 gives the same sequence; the position shown is the placement nearest the transcript's 3' end. VCF-style (leftmost placement, unchanged base first): chr2-47378990-ATTC-A. GRCh37 (hg19) VCF-style: chr2-47606129-ATTC-A.
Other names: c.598_600delTCT (NM_002354.2); short protein forms S200del.
Identifiers: ClinVar variation 216872 (VCV000216872.8), dbSNP rs863224840, ClinGen allele CA336183.
Genomic context (GRCh38, chr2:47,378,990, plus strand): 5'-TATTATTCAATTTTTTTCCCCAGTATGAGAATAATGTTATCACTATTGATCTGGTTCAAA[ATTC>A]TTCTCAAAAAACTCAGAATGATGTGGACATAGCTGATGTGGCTTATTATTTTGAAAAAGA-3'